The following is an entry in ClinVar:

ClinVar aggregate classification (germline): Conflicting classifications of pathogenicity. Review status: criteria provided, conflicting classifications (1 of 4 stars). 6 submissions from 6 submitters: Likely pathogenic (2); Uncertain significance (4). Last evaluated 2026-05-15.

Conditions:
Fetal akinesia deformation sequence 1 (FADS1). Also called: Fetal akinesia sequence; Pena-Shokeir syndrome type I. Identifiers: Orphanet 994, MedGen C1276035, MONDO:0100101, OMIM 208150, HP:0001989.
Congenital myasthenic syndrome 9. Also called: Myasthenic syndrome, congenital, 9, associated with acetylcholine receptor deficiency. Identifiers: Orphanet 590, MedGen C4225368, MONDO:0014587, OMIM 616325.
MUSK-related disorder. Also called: MUSK-related condition; MUSK-related disorders.

Allele frequency attached by ClinVar (database versions not stated): gnomAD 0.00001; gnomAD exomes 0.00001; ExAC 0.00002; TOPMed 0.00002.
gnomAD v4.1: 11 of 1,608,424 alleles (0.00068%); highest among the groups gnomAD compares: Non-Finnish European, 0.00068%; no homozygotes.

Submissions (6):

GeneDx
Classification: Likely pathogenic. Last evaluated: 2026-05-15. Review status: criteria provided, single submitter. Criteria: GeneDx Variant Classification Process June 2021. Collection method: clinical testing. Allele origin: germline.
Comment: Reported with a second MUSK variant, phase unknown, in a patient with congenital myasthenic syndrome in published literature (PMID: 36308527); Not observed at significant frequency in large population cohorts (gnomAD); In silico analysis supports that this missense variant has a deleterious effect on protein structure/function; This variant is associated with the following publications: (PMID: 36308527, 25537362)

Victorian Clinical Genetics Services, Murdoch Childrens Research Institute
Classification: Uncertain significance for Congenital myasthenic syndrome 9. Last evaluated: 2025-03-17. Review status: criteria provided, single submitter. Criteria: ACMG Guidelines, 2015. Collection method: clinical testing. Allele origin: germline. Affected: yes.
Comment: This variant is classified as VUS-3A. Evidence in support of pathogenic classification: Variant is present in gnomAD <0.01 for a recessive condition (v4: 11 heterozygote(s), 0 homozygote(s)); Missense variant predicted to be damaging by in silico tool(s) or highly conserved with a major amino acid change. Additional information: Variant is predicted to result in a missense amino acid change from glycine to arginine; This variant is heterozygous; This gene is associated with autosomal recessive disease; Previous evidence of pathogenicity for this variant is inconclusive. This variant has been classified as a VUS by clinical laboratories in ClinVar, and reported in the literature in an individual with congenital myasthenic syndrome with a second missense variant; however, phasing is unknown (PMID: 36308527); No published segregation evidence has been identified for this variant; No published functional evidence has been identified for this variant; No comparable missense variants have previous evidence for pathogenicity; Variant is located at an ATP binding site in the annotated protein tyrosine and serine/threonine kinase domain (DECIPHER, NCBI); Loss of function is a known mechanism of disease in this gene and is associated with fetal akinesia deformation sequence 1 (MIM#208150) and congenital myasthenic syndrome 9, associated with acetylcholine receptor deficiency (MIM#616325).

Blueprint Genetics
Classification: Likely pathogenic for MUSK-related disorders. Last evaluated: 2024-09-10. Review status: criteria provided, single submitter. Criteria: ACMG Guidelines, 2015. Collection method: clinical testing. Allele origin: germline. Affected: yes. Observed: 1 variant allele.

Women's Health and Genetics/Laboratory Corporation of America, LabCorp
Classification: Uncertain significance. Last evaluated: 2024-04-24. Review status: criteria provided, single submitter. Criteria: LabCorp Variant Classification Summary - May 2015. Collection method: clinical testing. Allele origin: germline.
Comment: Variant summary: MUSK c.1744G>A (p.Gly582Arg) results in a non-conservative amino acid change located in the Protein kinase domain (IPR000719) of the encoded protein sequence. Five of five in-silico tools predict a damaging effect of the variant on protein function. The variant allele was found at a frequency of 1.2e-05 in 247162 control chromosomes (gnomAD). The available data on variant occurrences in the general population are insufficient to allow any conclusion about variant significance. c.1744G>A has been reported in the literature in an individual affected with a Congenital myasthenic syndrome (Krenn_2023). These data do not allow any conclusion about variant significance. To our knowledge, no experimental evidence demonstrating an impact on protein function has been reported. The following publication has been ascertained in the context of this evaluation (PMID: 36308527). ClinVar contains an entry for this variant (Variation ID: 1448049). Based on the evidence outlined above, the variant was classified as uncertain significance.

Labcorp Genetics (formerly Invitae), Labcorp
Classification: Uncertain significance for Congenital myasthenic syndrome 9; Fetal akinesia deformation sequence 1. Last evaluated: 2024-02-23. Review status: criteria provided, single submitter. Criteria: Invitae Variant Classification Sherloc (09022015). Collection method: clinical testing. Allele origin: germline.
Comment: This sequence change replaces glycine, which is neutral and non-polar, with arginine, which is basic and polar, at codon 582 of the MUSK protein (p.Gly582Arg). This variant is present in population databases (rs202126269, gnomAD 0.0009%). This variant has not been reported in the literature in individuals affected with MUSK-related conditions. ClinVar contains an entry for this variant (Variation ID: 1448049). Advanced modeling of protein sequence and biophysical properties (such as structural, functional, and spatial information, amino acid conservation, physicochemical variation, residue mobility, and thermodynamic stability) performed at Invitae indicates that this missense variant is expected to disrupt MUSK protein function with a positive predictive value of 80%. In summary, the available evidence is currently insufficient to determine the role of this variant in disease. Therefore, it has been classified as a Variant of Uncertain Significance.

Revvity Omics, Revvity
Classification: Uncertain significance. Last evaluated: 2019-07-21. Review status: criteria provided, single submitter. Criteria: ACMG Guidelines, 2015. Collection method: clinical testing. Allele origin: germline.

Literature cited by the submitters: PubMed 36308527 (cited by Victorian Clinical Genetics Services, Murdoch Childrens Research Institute and Women's Health and Genetics/Laboratory Corporation of America, LabCorp).

NM_005592.4(MUSK):c.1744G>A (p.Gly582Arg)

Gene: MUSK (muscle associated receptor tyrosine kinase; plus strand). Cytogenetic location: 9q31.3.
Variant type: single nucleotide variant.
Coding change: c.1744G>A on transcript NM_005592.4 (MANE Select); coding-DNA position 1744, G replaced by A.
Protein change: p.Gly582Arg; replaces glycine 582 with arginine.
Molecular consequence: missense variant.
Genome position (GRCh38, 1-based): chr9:110,785,684, G>A. VCF-style: chr9-110785684-G-A. GRCh37 (hg19) VCF-style: chr9-113547964-G-A.
Other names: c.1486G>A, p.Gly496Arg (NM_001166280.2); c.1456G>A, p.Gly486Arg (NM_001166281.2); c.484G>A, p.Gly162Arg (NM_001369398.1); c.1744G>A (NM_005592.3); short protein forms G162R, G496R, G582R, G486R.
Identifiers: ClinVar variation 1448049 (VCV001448049.13), dbSNP rs202126269, ClinGen allele CA5184439.